The following is an entry in ClinVar:

NM_000179.3(MSH6):c.2386G>C (p.Glu796Gln)

Gene: MSH6 (mutS homolog 6; plus strand). Cytogenetic location: 2p16.3.
Variant type: single nucleotide variant.
Coding change: c.2386G>C on transcript NM_000179.3 (MANE Select); coding-DNA position 2386, G replaced by C.
Protein change: p.Glu796Gln; replaces glutamic acid 796 with glutamine.
Molecular consequence: missense variant. On other transcripts: non-coding transcript variant (5), intron variant (3).
Genome position (GRCh38, 1-based): chr2:47,800,369, G>C. VCF-style: chr2-47800369-G-C. GRCh37 (hg19) VCF-style: chr2-48027508-G-C.
Other names: c.1996G>C, p.Glu666Gln (NM_001281492.2); c.1480G>C, p.Glu494Gln (NM_001281493.2, NM_001281494.2, NM_001406811.1 and 6 more transcripts); c.2482G>C, p.Glu828Gln (NM_001406795.1, NM_001406802.1); c.2386G>C, p.Glu796Gln (NM_001406796.1, NM_001406798.1, NM_001406800.1 and 2 more transcripts); c.2089G>C, p.Glu697Gln (NM_001406797.1, NM_001406801.1, NM_001406805.1 and 10 more transcripts); c.1861G>C, p.Glu621Gln (NM_001406799.1, NM_001406806.1, NM_001406807.1); c.2308G>C, p.Glu770Gln (NM_001406804.1); c.2392G>C, p.Glu798Gln (NM_001406813.1); and 4 more; short protein forms E494Q, E621Q, E666Q, E697Q, E740Q, E770Q, E796Q, E798Q.
Identifiers: ClinVar variation 3230529 (VCV003230529.2), dbSNP rs1558665297, ClinGen allele CA346753795.

ClinVar aggregate classification (germline): Uncertain significance. Review status: criteria provided, multiple submitters, no conflicts (2 of 4 stars). 2 submissions from 2 submitters: Uncertain significance (2). Last evaluated 2024-03-12.

Conditions:
Hereditary cancer-predisposing syndrome. Also called: Neoplastic Syndromes, Hereditary; Tumor predisposition; Hereditary neoplastic syndrome; Hereditary Cancer Syndrome. Identifiers: Orphanet 140162, MedGen C0027672, MeSH D009386, MONDO:0015356.
Endometrial carcinoma. Also called: Endometrial carcinoma, somatic. Identifiers: MedGen C0476089, MONDO:0002447, OMIM 608089, HP:0012114.

Submissions (2):

Baylor Genetics
Classification: Uncertain significance for Endometrial carcinoma. Last evaluated: 2024-03-12. Review status: criteria provided, single submitter. Criteria: ACMG Guidelines, 2015. Collection method: clinical testing. Allele origin: unknown.

Ambry Genetics
Classification: Uncertain significance for Hereditary cancer-predisposing syndrome. Last evaluated: 2024-01-21. Review status: criteria provided, single submitter. Criteria: Ambry Variant Classification Scheme 2023. Collection method: clinical testing. Allele origin: germline.
Comment: The p.E796Q variant (also known as c.2386G>C), located in coding exon 4 of the MSH6 gene, results from a G to C substitution at nucleotide position 2386. The glutamic acid at codon 796 is replaced by glutamine, an amino acid with highly similar properties. This amino acid position is conserved. In addition, this alteration is predicted to be deleterious by in silico analysis. Based on the available evidence, the clinical significance of this alteration remains unclear.